The following is an entry in ClinVar:

NM_001723.7(DST):c.7717C>T (p.Arg2573Trp)

Gene: DST (dystonin; minus strand). Cytogenetic location: 6p12.1.
Variant type: single nucleotide variant.
Coding change: c.7717C>T on transcript NM_001723.7 (MANE Plus Clinical); coding-DNA position 7717, C replaced by T.
Protein change: p.Arg2573Trp; replaces arginine 2573 with tryptophan.
Molecular consequence: missense variant. On other transcripts: intron variant (10).
Genome position (GRCh38, 1-based): chr6:56,615,750, G>A on the plus strand (C>T on the coding strand, the complement: DST is on the minus strand). VCF-style: chr6-56615750-G-A. GRCh37 (hg19) VCF-style: chr6-56480548-G-A.
Other names: c.4831-1266C>T (NM_001144769.5); c.4930-1266C>T (NM_001374722.1, NM_001374736.1); c.4957-1266C>T (NM_001374734.1); c.4417-1266C>T (NM_001144770.2); c.4297-1266C>T (NM_001374730.1, NM_001386100.1, NM_183380.4 and 1 more transcripts); c.3319-1266C>T (NM_015548.5); short protein forms R2573W.
Identifiers: ClinVar variation 2173462 (VCV002173462.1), dbSNP rs373919646, ClinGen allele CA3869909.
Genomic context (GRCh38, chr6:56,615,750, plus strand): 5'-GTTTTGTGGCAATGAGGACATCTATAATACCTACTTGGAGAGCCTCTTCTATTGATAACC[G>A]AGAGTGAACCTGTGGCTCTATCAACCCTCCTGTCAAGTACTGAAATTCCAAACATCGGAT-3'
Protein context (NP_001714.1, residues 2563-2583): GGLIEPQVHS[Arg2573Trp]LSIEEALQVG

ClinVar aggregate classification (germline): Uncertain significance (1 of 4 stars; one submission).

Conditions:
Hereditary sensory and autonomic neuropathy type 6. Also called: HSAN VI; Neuropathy, hereditary sensory and autonomic, type VI. Identifiers: Orphanet 314381, MedGen C3539003, MONDO:0013839, OMIM 614653.
Epidermolysis bullosa simplex 3, localized or generalized intermediate, with BP230 deficiency (EBS3). Also called: Epidermolysis bullosa simplex due to BP230 deficiency; Epidermolysis bullosa simplex, autosomal recessive 2. Identifiers: Orphanet 412181, MedGen C3809470, MONDO:0014180, OMIM 615425.

Allele frequency attached by ClinVar (database versions not stated): ExAC 0.00001; gnomAD 0.00001; gnomAD exomes 0.00001; TOPMed 0.00003; ESP Exome Variant Server 0.00008.
gnomAD v4.1: 12 of 1,613,942 alleles (0.00074%); highest among the groups gnomAD compares: African/African-American, 0.0067%; no homozygotes.

Submission:

Labcorp Genetics (formerly Invitae), Labcorp
Classification: Uncertain significance for Epidermolysis bullosa simplex 3, localized or generalized intermediate, with BP230 deficiency; Hereditary sensory and autonomic neuropathy type 6. Last evaluated: 2022-07-22. Review status: criteria provided, single submitter. Criteria: Invitae Variant Classification Sherloc (09022015). Collection method: clinical testing. Allele origin: germline.
Comment: This sequence change replaces arginine, which is basic and polar, with tryptophan, which is neutral and slightly polar, at codon 2573 of the DST protein (p.Arg2573Trp). This variant is present in population databases (rs373919646, gnomAD 0.007%). This variant has not been reported in the literature in individuals affected with DST-related conditions. Algorithms developed to predict the effect of missense changes on protein structure and function (SIFT, PolyPhen-2, Align-GVGD) all suggest that this variant is likely to be disruptive. In summary, the available evidence is currently insufficient to determine the role of this variant in disease. Therefore, it has been classified as a Variant of Uncertain Significance.